The following is an entry in ClinVar:

NM_021072.4(HCN1):c.530T>C (p.Ile177Thr)

Gene: HCN1 (hyperpolarization activated cyclic nucleotide gated potassium channel 1; minus strand). Cytogenetic location: 5p12.
Variant type: single nucleotide variant.
Coding change: c.530T>C on transcript NM_021072.4 (MANE Select); coding-DNA position 530, T replaced by C.
Protein change: p.Ile177Thr; replaces isoleucine 177 with threonine.
Molecular consequence: missense variant.
Genome position (GRCh38, 1-based): chr5:45,645,504, A>G on the plus strand (T>C on the coding strand, the complement: HCN1 is on the minus strand). VCF-style: chr5-45645504-A-G. GRCh37 (hg19) VCF-style: chr5-45645606-A-G.
Other names: short protein forms I177T.
Identifiers: ClinVar variation 2764918 (VCV002764918.3), dbSNP rs2478543866, ClinGen allele CA359707709.

ClinVar aggregate classification (germline): Uncertain significance (1 of 4 stars; one submission).

Conditions:
Early-infantile DEE. Also called: Ohtahara syndrome; Early infantile epileptic encephalopathy; Early infantile epileptic encephalopathy with suppression bursts. Identifiers: Orphanet 1934, MedGen C0393706, MONDO:0800491.

Submission:

Labcorp Genetics (formerly Invitae), Labcorp
Classification: Uncertain significance for Early-infantile DEE. Last evaluated: 2023-10-03. Review status: criteria provided, single submitter. Criteria: Invitae Variant Classification Sherloc (09022015). Collection method: clinical testing. Allele origin: germline.
Comment: This sequence change replaces isoleucine, which is neutral and non-polar, with threonine, which is neutral and polar, at codon 177 of the HCN1 protein (p.Ile177Thr). This variant is not present in population databases (gnomAD no frequency). This variant has not been reported in the literature in individuals affected with HCN1-related conditions. Advanced modeling of protein sequence and biophysical properties (such as structural, functional, and spatial information, amino acid conservation, physicochemical variation, residue mobility, and thermodynamic stability) performed at Invitae indicates that this missense variant is not expected to disrupt HCN1 protein function. In summary, the available evidence is currently insufficient to determine the role of this variant in disease. Therefore, it has been classified as a Variant of Uncertain Significance.